The following is an entry in ClinVar:

NM_014989.7(RIMS1):c.4160G>T (p.Arg1387Leu)

Gene: RIMS1 (regulating synaptic membrane exocytosis 1; plus strand). Cytogenetic location: 6q13.
Variant type: single nucleotide variant.
Coding change: c.4160G>T on transcript NM_014989.7 (MANE Select); coding-DNA position 4160, G replaced by T.
Protein change: p.Arg1387Leu; replaces arginine 1387 with leucine.
Molecular consequence: missense variant. On other transcripts: intron variant (24).
Genome position (GRCh38, 1-based): chr6:72,333,629, G>T. VCF-style: chr6-72333629-G-T. GRCh37 (hg19) VCF-style: chr6-73043332-G-T.
Other names: c.2069G>T, p.Arg690Leu (NM_001350435.2); c.2312G>T, p.Arg771Leu (NM_001350436.2); c.2063G>T, p.Arg688Leu (NM_001350437.2); c.2051G>T, p.Arg684Leu (NM_001350439.2); c.2048G>T, p.Arg683Leu (NM_001350441.2); c.2021G>T, p.Arg674Leu (NM_001350443.2); c.1895G>T, p.Arg632Leu (NM_001350444.2); c.2306G>T, p.Arg769Leu (NM_001350446.2); and 53 more; short protein forms R576L, R623L, R627L, R632L, R656L, R660L, R687L, R709L.
Identifiers: ClinVar variation 1418376 (VCV001418376.6), dbSNP rs752455133, ClinGen allele CA140893806.

ClinVar aggregate classification (germline): Uncertain significance (1 of 4 stars; one submission).

gnomAD v4.1: 3 of 1,594,624 alleles (0.00019%); highest among the groups gnomAD compares: African/African-American, 0.004%; no homozygotes.

Submission:

Labcorp Genetics (formerly Invitae), Labcorp
Classification: Uncertain significance. Last evaluated: 2021-09-29. Review status: criteria provided, single submitter. Criteria: Invitae Variant Classification Sherloc (09022015). Collection method: clinical testing. Allele origin: germline.
Comment: In summary, the available evidence is currently insufficient to determine the role of this variant in disease. Therefore, it has been classified as a Variant of Uncertain Significance. Algorithms developed to predict the effect of missense changes on protein structure and function (SIFT, PolyPhen-2, Align-GVGD) all suggest that this variant is likely to be disruptive. This variant has not been reported in the literature in individuals affected with RIMS1-related conditions. This variant is not present in population databases (ExAC no frequency). This sequence change replaces arginine with leucine at codon 1387 of the RIMS1 protein (p.Arg1387Leu). The arginine residue is highly conserved and there is a moderate physicochemical difference between arginine and leucine.